The following is an entry in ClinVar:

ClinVar aggregate classification (germline): Uncertain significance. Review status: criteria provided, multiple submitters, no conflicts (2 of 4 stars). 2 submissions from 2 submitters: Uncertain significance (2). Last evaluated 2025-08-11.

Conditions:
Charcot-Marie-Tooth disease. Also called: Charcot-Marie-Tooth Neuropathy; Charcot-Marie-Tooth Hereditary Neuropathy. Identifiers: Orphanet 166, MedGen C0007959, MONDO:0015626.
Severe early-onset pulmonary alveolar proteinosis due to MARS deficiency. Also called: PULMONARY ALVEOLAR PROTEINOSIS, REUNION ISLAND; Interstitial lung and liver disease. Identifiers: Orphanet 440427, MedGen C4225400, MONDO:0014206, OMIM 615486.
Charcot-Marie-Tooth disease axonal type 2U. Also called: CHARCOT-MARIE-TOOTH NEUROPATHY, TYPE 2U; CHARCOT-MARIE-TOOTH DISEASE, AXONAL, AUTOSOMAL DOMINANT, TYPE 2U. Identifiers: Orphanet 397735, MedGen C4084821, MONDO:0014566, OMIM 616280.

Allele frequency attached by ClinVar (database versions not stated): gnomAD exomes below 0.00001 and 0.00002; ExAC 0.00002; gnomAD 0.00002 and 0.00003; TOPMed 0.00003; 1000 Genomes Project 30x 0.00031; 1000 Genomes Project 0.00040.
gnomAD v4.1: 11 of 1,614,088 alleles (0.00068%); highest among the groups gnomAD compares: African/African-American, 0.008%; no homozygotes.

Submissions (2):

Labcorp Genetics (formerly Invitae), Labcorp
Classification: Uncertain significance for Charcot-Marie-Tooth disease axonal type 2U; Severe early-onset pulmonary alveolar proteinosis due to MARS deficiency. Last evaluated: 2025-08-11. Review status: criteria provided, single submitter. Criteria: Invitae Variant Classification Sherloc (09022015). Collection method: clinical testing. Allele origin: germline.
Comment: This sequence change replaces alanine, which is neutral and non-polar, with valine, which is neutral and non-polar, at codon 765 of the MARS protein (p.Ala765Val). This variant is present in population databases (rs559255944, gnomAD 0.01%). This variant has not been reported in the literature in individuals affected with MARS-related conditions. ClinVar contains an entry for this variant (Variation ID: 542173). An algorithm developed to predict the effect of missense changes on protein structure and function (PolyPhen-2) suggests that this variant is likely to be tolerated. In summary, the available evidence is currently insufficient to determine the role of this variant in disease. Therefore, it has been classified as a Variant of Uncertain Significance.

Molecular Genetics Laboratory, London Health Sciences Centre
Classification: Uncertain significance for Charcot-Marie-Tooth disease. Review status: criteria provided, single submitter. Criteria: ACMG Guidelines, 2015. Collection method: clinical testing. Allele origin: germline. Affected: yes.

NM_004990.4(MARS1):c.2294C>T (p.Ala765Val)

Gene: MARS1 (methionyl-tRNA synthetase 1; plus strand). Cytogenetic location: 12q13.3.
Variant type: single nucleotide variant.
Coding change: c.2294C>T on transcript NM_004990.4 (MANE Select); coding-DNA position 2294, C replaced by T.
Protein change: p.Ala765Val; replaces alanine 765 with valine.
Molecular consequence: missense variant.
Genome position (GRCh38, 1-based): chr12:57,515,239, C>T. VCF-style: chr12-57515239-C-T. GRCh37 (hg19) VCF-style: chr12-57909022-C-T.
Other names: short protein forms A765V.
Identifiers: ClinVar variation 542173 (VCV000542173.10), dbSNP rs559255944, ClinGen allele CA6650773.